The following is an entry in ClinVar:

NM_177438.3(DICER1):c.5472G>T (p.Gly1824=)

Gene: DICER1 (dicer 1, ribonuclease III; minus strand). Cytogenetic location: 14q32.13.
Variant type: single nucleotide variant.
Coding change: c.5472G>T on transcript NM_177438.3 (MANE Select); coding-DNA position 5472, G replaced by T.
Protein change: p.Gly1824=; no amino-acid change (glycine 1824 retained).
Molecular consequence: synonymous variant. On other transcripts: intron variant (1).
Genome position (GRCh38, 1-based): chr14:95,091,258, C>A on the plus strand (G>T on the coding strand, the complement: DICER1 is on the minus strand). VCF-style: chr14-95091258-C-A. GRCh37 (hg19) VCF-style: chr14-95557595-C-A.
Other names: c.5472G>T, p.Gly1824= (NM_001271282.3, NM_001291628.2, NM_030621.4); c.5365-149G>T (NM_001195573.1).
Identifiers: ClinVar variation 941905 (VCV000941905.11), dbSNP rs1889798819, ClinGen allele CA487843701.
Genomic context (GRCh38, chr14:95,091,258, plus strand): 5'-AATACCTATTAGTGGCCGCATCATGGGATAGTACACCTGCCAGACTGTCTCCAGTGACAT[C>A]CCACTATCCATGTAAATGGCACCAGCAAGCGACTCAAAAATATCCCCCATGGCCTTTGGA-3'
Protein context (NP_803187.1, residues 1814-1834): SLAGAIYMDS[Gly1824=]MSLETVWQVY

ClinVar aggregate classification (germline): Uncertain significance (1 of 4 stars; one submission).

Conditions:
DICER1-related tumor predisposition. Also called: DICER1 syndrome; DICER1-related pleuropulmonary blastoma cancer predisposition syndrome. Identifiers: Orphanet 284343, MedGen C3839822, MONDO:0100216.

Submission:

Labcorp Genetics (formerly Invitae), Labcorp
Classification: Uncertain significance for DICER1-related tumor predisposition. Last evaluated: 2023-07-19. Review status: criteria provided, single submitter. Criteria: Invitae Variant Classification Sherloc (09022015). Collection method: clinical testing. Allele origin: germline.
Comment: This variant has not been reported in the literature in individuals affected with DICER1-related conditions. In summary, the available evidence is currently insufficient to determine the role of this variant in disease. Therefore, it has been classified as a Variant of Uncertain Significance. Algorithms developed to predict the effect of sequence changes on RNA splicing suggest that this variant may disrupt the consensus splice site. ClinVar contains an entry for this variant (Variation ID: 941905). This variant is not present in population databases (gnomAD no frequency). This sequence change affects codon 1824 of the DICER1 mRNA. It is a 'silent' change, meaning that it does not change the encoded amino acid sequence of the DICER1 protein.